The following is an entry in ClinVar:

ClinVar aggregate classification (germline): Uncertain significance (1 of 4 stars; one submission).

Conditions:
GM1 gangliosidosis. Identifiers: Orphanet 354, MedGen C0085131, MONDO:0018149.
Mucopolysaccharidosis, MPS-IV-B (MPS4B). Also called: MORQUIO SYNDROME B; Mucopolysaccharidosis Type IVB (Morquio B Disease); Mucopolysaccharidosis type IV B; Mucopolysaccharidosis Type IVB; Mucopolysaccharidosis type 4B; Mucopolysaccharidosis type IVB (Morquio). Identifiers: Orphanet 309310, Orphanet 582, MedGen C0086652, MONDO:0009660, OMIM 253010.

Submission:

Labcorp Genetics (formerly Invitae), Labcorp
Classification: Uncertain significance for Mucopolysaccharidosis, MPS-IV-B; GM1 gangliosidosis. Last evaluated: 2022-06-28. Review status: criteria provided, single submitter. Criteria: Invitae Variant Classification Sherloc (09022015). Collection method: clinical testing. Allele origin: germline.
Comment: This sequence change replaces phenylalanine, which is neutral and non-polar, with serine, which is neutral and polar, at codon 269 of the GLB1 protein (p.Phe269Ser). This variant is not present in population databases (gnomAD no frequency). This variant has not been reported in the literature in individuals affected with GLB1-related conditions. Advanced modeling of protein sequence and biophysical properties (such as structural, functional, and spatial information, amino acid conservation, physicochemical variation, residue mobility, and thermodynamic stability) performed at Invitae indicates that this missense variant is expected to disrupt GLB1 protein function. In summary, the available evidence is currently insufficient to determine the role of this variant in disease. Therefore, it has been classified as a Variant of Uncertain Significance.

NM_000404.4(GLB1):c.806T>C (p.Phe269Ser)

Gene: GLB1 (galactosidase beta 1; minus strand). Cytogenetic location: 3p22.3.
Variant type: single nucleotide variant.
Coding change: c.806T>C on transcript NM_000404.4 (MANE Select); coding-DNA position 806, T replaced by C.
Protein change: p.Phe269Ser; replaces phenylalanine 269 with serine.
Molecular consequence: missense variant.
Genome position (GRCh38, 1-based): chr3:33,051,991, A>G on the plus strand (T>C on the coding strand, the complement: GLB1 is on the minus strand). VCF-style: chr3-33051991-A-G. GRCh37 (hg19) VCF-style: chr3-33093483-A-G.
Other names: c.716T>C, p.Phe239Ser (NM_001079811.3); c.413T>C, p.Phe138Ser (NM_001135602.3); c.950T>C, p.Phe317Ser (NM_001317040.2); c.806T>C, p.Phe269Ser (NM_001393580.1); short protein forms F269S, F138S, F239S, F317S.
Identifiers: ClinVar variation 2013625 (VCV002013625.4), dbSNP rs1699014146, ClinGen allele CA352001682.